The following is an entry in ClinVar:

ClinVar aggregate classification (germline): Benign/Likely benign. Review status: criteria provided, multiple submitters, no conflicts (2 of 4 stars). 3 submissions from 3 submitters: Benign (2); Likely benign (1). Last evaluated 2026-02-01.

Conditions:
Primary ciliary dyskinesia. Also called: Ciliary dyskinesia. Identifiers: Orphanet 244, MedGen C0008780, MONDO:0016575, HP:0012265.

Submissions (6):

Labcorp Genetics (formerly Invitae), Labcorp
Classification: Benign for Primary ciliary dyskinesia. Last evaluated: 2026-02-01. Review status: criteria provided, single submitter. Criteria: Invitae Variant Classification Sherloc (09022015). Collection method: clinical testing. Allele origin: germline.

Laboratory for Molecular Medicine, Mass General Brigham Personalized Medicine
Classification: Likely benign. Last evaluated: 2014-09-24. Review status: criteria provided, single submitter. Criteria: LMM Criteria. Collection method: clinical testing. Allele origin: germline. Observed: 1 variant allele.
Comment: 864-17_864-14delCTTT in intron 6 of DNAAF1: This variant is not expected to have clinical significance because at is a deletion of 4 bases but does not diverge from the splice consensus sequence and is therefore unlikely to impact splicing. This variant has been reported in dbSNP without frequency information (rs141073 777).

PreventionGenetics, part of Exact Sciences
Classification: Benign. Review status: criteria provided, single submitter. Criteria: ACMG Guidelines, 2015. Collection method: clinical testing. Allele origin: germline.

Dr. Peter K. Rogan Lab, Western University
No classification provided (evidence only). Condition: Familial cancer of breast. Review status: no classification provided. Collection method: in vitro. Allele origin: not applicable. Functional consequence: skipped exon, retained intron. Not counted in ClinVar's aggregate classification.

Dr. Peter K. Rogan Lab, Western University
No classification provided (evidence only). Condition: Familial cancer of breast. Review status: no classification provided. Collection method: in vitro. Allele origin: not applicable. Functional consequence: retained intron. Not counted in ClinVar's aggregate classification.

Dr. Peter K. Rogan Lab, Western University
No classification provided (evidence only). Condition: Familial cancer of breast. Review status: no classification provided. Collection method: in vitro. Allele origin: not applicable. Functional consequence: retained intron. Not counted in ClinVar's aggregate classification.

NM_178452.6(DNAAF1):c.864-17_864-14del

Gene: DNAAF1 (dynein axonemal assembly factor 1; plus strand). Cytogenetic location: 16q24.1.
Variant type: Deletion.
Coding change: c.864-17_864-14del on transcript NM_178452.6 (MANE Select); 17 bases into the intron before coding-DNA position 864 through 14 bases into the intron before coding-DNA position 864, 4 bases deleted (CTTT; older notation c.864-17_864-14delCTTT).
Molecular consequence: intron variant.
Genome position (GRCh38, 1-based): chr16:84,165,766-84,165,769, CTTT deleted; deleting any 4 consecutive bases within chr16:84,165,763-84,165,769 gives the same sequence; the c. name uses the placement nearest the transcript's 3' end. VCF-style (leftmost placement, unchanged base first): chr16-84165762-GTTTC-G. GRCh37 (hg19) VCF-style: chr16-84199368-GTTTC-G.
Other names: NC_000016.9:g.84199372_84199375del; c.108-17_108-14del (NM_001318756.1).
Identifiers: ClinVar variation 179948 (VCV000179948.22), dbSNP rs141073777, ClinGen allele CA185489.